The following is an entry in ClinVar:

NM_012210.4(TRIM32):c.769A>C (p.Thr257Pro)

Genes: ASTN2 (astrotactin 2; minus strand), TRIM32 (tripartite motif containing 32; plus strand). Cytogenetic location: 9q33.1.
Variant type: single nucleotide variant.
Coding change: c.769A>C on transcript NM_012210.4 (MANE Select); coding-DNA position 769, A replaced by C.
Protein change: p.Thr257Pro; replaces threonine 257 with proline.
Molecular consequence: missense variant. On other transcripts: intron variant (3).
Genome position (GRCh38, 1-based): chr9:116,698,511, A>C. VCF-style: chr9-116698511-A-C. GRCh37 (hg19) VCF-style: chr9-119460790-A-C.
Other names: c.769A>C, p.Thr257Pro (NM_001099679.2, NM_001379048.1, NM_001379049.1 and 1 more transcripts); c.2653+27260T>G (NM_014010.5); c.2794+27260T>G (NM_001365069.1); c.2806+27260T>G (NM_001365068.1); short protein forms T257P.
Identifiers: ClinVar variation 1418911 (VCV001418911.6), dbSNP rs2132072833, ClinGen allele CA374649744.

ClinVar aggregate classification (germline): Uncertain significance (1 of 4 stars; one submission).

Conditions:
Bardet-Biedl syndrome (BBS). Identifiers: Orphanet 110, MedGen C0752166, MONDO:0015229.

Allele frequency attached by ClinVar (database versions not stated): gnomAD exomes below 0.00001.
gnomAD v4.1: 1 of 1,613,666 alleles (0.000062%); highest among the groups gnomAD compares: Non-Finnish European, 0.000085%; no homozygotes.

Submission:

Labcorp Genetics (formerly Invitae), Labcorp
Classification: Uncertain significance for Bardet-Biedl syndrome. Last evaluated: 2022-08-22. Review status: criteria provided, single submitter. Criteria: Invitae Variant Classification Sherloc (09022015). Collection method: clinical testing. Allele origin: germline.
Comment: This sequence change replaces threonine, which is neutral and polar, with proline, which is neutral and non-polar, at codon 257 of the TRIM32 protein (p.Thr257Pro). In summary, the available evidence is currently insufficient to determine the role of this variant in disease. Therefore, it has been classified as a Variant of Uncertain Significance. Algorithms developed to predict the effect of missense changes on protein structure and function (SIFT, PolyPhen-2, Align-GVGD) all suggest that this variant is likely to be tolerated. ClinVar contains an entry for this variant (Variation ID: 1418911). This variant has not been reported in the literature in individuals affected with TRIM32-related conditions. This variant is not present in population databases (gnomAD no frequency).